The following is an entry in ClinVar:

ClinVar aggregate classification (germline): Uncertain significance (1 of 4 stars; one submission).

Conditions:
Hereditary cancer-predisposing syndrome. Also called: Neoplastic Syndromes, Hereditary; Tumor predisposition; Hereditary neoplastic syndrome; Hereditary Cancer Syndrome. Identifiers: Orphanet 140162, MedGen C0027672, MeSH D009386, MONDO:0015356.

gnomAD v4.1: 1 of 1,613,878 alleles (0.000062%); highest among the groups gnomAD compares: Non-Finnish European, 0.000085%; no homozygotes.

Submission:

Ambry Genetics
Classification: Uncertain significance for Hereditary cancer-predisposing syndrome. Last evaluated: 2026-07-22. Review status: criteria provided, single submitter. Criteria: Ambry Variant Classification Scheme 2023. Collection method: clinical testing. Allele origin: germline.
Comment: The p.T560A variant (also known as c.1678A>G), located in coding exon 11 of the CDH1 gene, results from an A to G substitution at nucleotide position 1678. The threonine at codon 560 is replaced by alanine, an amino acid with similar properties. This amino acid position is not well conserved in available vertebrate species. In addition, this alteration is predicted to be tolerated by in silico analysis. Based on the available evidence, the clinical significance of this variant remains unclear.

NM_004360.5(CDH1):c.1678A>G (p.Thr560Ala)

Gene: CDH1 (cadherin 1; plus strand). Cytogenetic location: 16q22.1.
Variant type: single nucleotide variant.
Coding change: c.1678A>G on transcript NM_004360.5 (MANE Select); coding-DNA position 1678, A replaced by G.
Protein change: p.Thr560Ala; replaces threonine 560 with alanine.
Molecular consequence: missense variant. On other transcripts: intron variant (1).
Genome position (GRCh38, 1-based): chr16:68,819,392, A>G. VCF-style: chr16-68819392-A-G. GRCh37 (hg19) VCF-style: chr16-68853295-A-G.
Other names: c.1495A>G, p.Thr499Ala (NM_001317184.2); c.130A>G, p.Thr44Ala (NM_001317185.2); c.-254-2609A>G (NM_001317186.2); short protein forms T44A, T499A, T560A.
Identifiers: ClinVar variation 5034004 (VCV005034004.1).
Genomic context (GRCh38, chr16:68,819,392, plus strand): 5'-GGTGCCATTTCCACTCGGGCTGAGCTGGACAGGGAGGATTTTGAGCACGTGAAGAACAGC[A>G]CGTACACAGCCCTAATCATAGCTACAGACAATGGTAAGGGGGCCTCATCTGAGCCTTTGC-3'
Protein context (NP_004351.1, residues 550-570): REDFEHVKNS[Thr560Ala]YTALIIATDN